The following is an entry in ClinVar:

ClinVar aggregate classification (germline): Uncertain significance (1 of 4 stars; one submission).

Submission:

Labcorp Genetics (formerly Invitae), Labcorp
Classification: Uncertain significance. Last evaluated: 2023-03-09. Review status: criteria provided, single submitter. Criteria: Invitae Variant Classification Sherloc (09022015). Collection method: clinical testing. Allele origin: germline.
Comment: An algorithm developed to predict the effect of missense changes on protein structure and function (PolyPhen-2) suggests that this variant is likely to be disruptive. This sequence change replaces histidine, which is basic and polar, with tyrosine, which is neutral and polar, at codon 278 of the MSH3 protein (p.His278Tyr). This variant is not present in population databases (gnomAD no frequency). This variant has not been reported in the literature in individuals affected with MSH3-related conditions. In summary, the available evidence is currently insufficient to determine the role of this variant in disease. Therefore, it has been classified as a Variant of Uncertain Significance.

NM_002439.5(MSH3):c.832C>T (p.His278Tyr)

Gene: MSH3 (mutS homolog 3; plus strand). Cytogenetic location: 5q14.1.
Variant type: single nucleotide variant.
Coding change: c.832C>T on transcript NM_002439.5 (MANE Select); coding-DNA position 832, C replaced by T.
Protein change: p.His278Tyr; replaces histidine 278 with tyrosine.
Molecular consequence: missense variant.
Genome position (GRCh38, 1-based): chr5:80,672,283, C>T. VCF-style: chr5-80672283-C-T. GRCh37 (hg19) VCF-style: chr5-79968102-C-T.
Other names: short protein forms H278Y.
Identifiers: ClinVar variation 2844405 (VCV002844405.3), dbSNP rs1749740312, ClinGen allele CA360267135.